The following is an entry in ClinVar:

NM_053025.4(MYLK):c.2740G>T (p.Asp914Tyr)

Gene: MYLK (myosin light chain kinase; minus strand). Cytogenetic location: 3q21.1.
Variant type: single nucleotide variant.
Coding change: c.2740G>T on transcript NM_053025.4 (MANE Select); coding-DNA position 2740, G replaced by T.
Protein change: p.Asp914Tyr; replaces aspartic acid 914 with tyrosine.
Molecular consequence: missense variant.
Genome position (GRCh38, 1-based): chr3:123,700,728, C>A on the plus strand (G>T on the coding strand, the complement: MYLK is on the minus strand). VCF-style: chr3-123700728-C-A. GRCh37 (hg19) VCF-style: chr3-123419575-C-A.
Other names: c.2212G>T, p.Asp738Tyr (NM_001321309.2); c.2533G>T, p.Asp845Tyr (NM_053026.4, NM_053028.4); c.2740G>T, p.Asp914Tyr (NM_053027.4); c.2740G>T (NM_053025.3); short protein forms D914Y, D738Y, D845Y.
Identifiers: ClinVar variation 624224 (VCV000624224.45), dbSNP rs561148360, ClinGen allele CA354231609.

ClinVar aggregate classification (germline): Uncertain significance. Review status: criteria provided, multiple submitters, no conflicts (2 of 4 stars). 2 submissions from 2 submitters: Uncertain significance (2). Last evaluated 2023-05-05.

Conditions:
Familial thoracic aortic aneurysm and aortic dissection (TAAD). Also called: Thoracic aortic aneurysms and dissections. Identifiers: Orphanet 91387, MedGen C4707243, MONDO:0019625.

gnomAD v4.1: 4 of 1,614,040 alleles (0.00025%); highest among the groups gnomAD compares: Non-Finnish European, 0.00017%; no homozygotes.

Submissions (2):

Ambry Genetics
Classification: Uncertain significance for Familial thoracic aortic aneurysm and aortic dissection. Last evaluated: 2023-05-05. Review status: criteria provided, single submitter. Criteria: Ambry Variant Classification Scheme 2023. Collection method: clinical testing. Allele origin: germline.
Comment: The p.D914Y variant (also known as c.2740G>T), located in coding exon 15 of the MYLK gene, results from a G to T substitution at nucleotide position 2740. The aspartic acid at codon 914 is replaced by tyrosine, an amino acid with highly dissimilar properties. This amino acid position is conserved. In addition, this alteration is predicted to be tolerated by in silico analysis. Since supporting evidence is limited at this time, the clinical significance of this alteration remains unclear.

CeGaT Center for Human Genetics Tuebingen
Classification: Uncertain significance. Last evaluated: 2018-07-01. Review status: criteria provided, single submitter. Criteria: CeGaT Center For Human Genetics Tuebingen Variant Classification Criteria Version 2. Collection method: clinical testing. Allele origin: germline. Affected: yes. Observed: 1 variant allele.